The following is an entry in ClinVar:

ClinVar aggregate classification (germline): Uncertain significance. Review status: criteria provided, multiple submitters, no conflicts (2 of 4 stars). 2 submissions from 2 submitters: Uncertain significance (2). Last evaluated 2024-06-23.

Conditions:
Hereditary cancer-predisposing syndrome. Also called: Hereditary neoplastic syndrome; Tumor predisposition; Neoplastic Syndromes, Hereditary; Hereditary Cancer Syndrome. Identifiers: Orphanet 140162, MedGen C0027672, MeSH D009386, MONDO:0015356.
Gorlin syndrome. Also called: Nevoid Basal Cell Carcinoma Syndrome; Basal cell nevus syndrome. Identifiers: Orphanet 377, MedGen C0004779, MONDO:0007187.

Allele frequency attached by ClinVar (database versions not stated): gnomAD exomes below 0.00001.
gnomAD v4.1: 2 of 1,611,498 alleles (0.00012%); highest among the groups gnomAD compares: Middle Eastern, 0.017%; no homozygotes.

Submissions (2):

Labcorp Genetics (formerly Invitae), Labcorp
Classification: Uncertain significance for Gorlin syndrome. Last evaluated: 2024-06-23. Review status: criteria provided, single submitter. Criteria: Invitae Variant Classification Sherloc (09022015). Collection method: clinical testing. Allele origin: germline.
Comment: This sequence change replaces threonine, which is neutral and polar, with arginine, which is basic and polar, at codon 245 of the PTCH1 protein (p.Thr245Arg). This variant is not present in population databases (gnomAD no frequency). This variant has not been reported in the literature in individuals affected with PTCH1-related conditions. ClinVar contains an entry for this variant (Variation ID: 860470). Advanced modeling of protein sequence and biophysical properties (such as structural, functional, and spatial information, amino acid conservation, physicochemical variation, residue mobility, and thermodynamic stability) performed at Invitae indicates that this missense variant is not expected to disrupt PTCH1 protein function with a negative predictive value of 95%. In summary, the available evidence is currently insufficient to determine the role of this variant in disease. Therefore, it has been classified as a Variant of Uncertain Significance.

Ambry Genetics
Classification: Uncertain significance for Hereditary cancer-predisposing syndrome. Last evaluated: 2024-04-30. Review status: criteria provided, single submitter. Criteria: Ambry Variant Classification Scheme 2023. Collection method: clinical testing. Allele origin: germline.
Comment: The p.T245R variant (also known as c.734C>G), located in coding exon 5 of the PTCH1 gene, results from a C to G substitution at nucleotide position 734. The threonine at codon 245 is replaced by arginine, an amino acid with similar properties. This amino acid position is conserved. In addition, the in silico prediction for this alteration is inconclusive. Based on the available evidence, the clinical significance of this variant remains unclear.

NM_000264.5(PTCH1):c.734C>G (p.Thr245Arg)

Gene: PTCH1 (patched 1; minus strand). Cytogenetic location: 9q22.32.
Variant type: single nucleotide variant.
Coding change: c.734C>G on transcript NM_000264.5 (MANE Select); coding-DNA position 734, C replaced by G.
Protein change: p.Thr245Arg; replaces threonine 245 with arginine.
Molecular consequence: missense variant. On other transcripts: non-coding transcript variant (1).
Genome position (GRCh38, 1-based): chr9:95,481,961, G>C on the plus strand (C>G on the coding strand, the complement: PTCH1 is on the minus strand). VCF-style: chr9-95481961-G-C. GRCh37 (hg19) VCF-style: chr9-98244243-G-C.
Other names: c.536C>G, p.Thr179Arg (NM_001083602.3, NM_001354919.2); c.731C>G, p.Thr244Arg (NM_001083603.3); c.281C>G, p.Thr94Arg (NM_001083604.3, NM_001083605.3, NM_001083606.3 and 1 more transcripts); c.734C>G, p.Thr245Arg (NM_001354918.2); short protein forms T179R, T244R, T94R, T245R.
Identifiers: ClinVar variation 860470 (VCV000860470.9), dbSNP rs1841570436, ClinGen allele CA374114815.